The following is an entry in ClinVar:

NM_000283.4(PDE6B):c.217G>A (p.Glu73Lys)

Gene: PDE6B (phosphodiesterase 6B; plus strand). Cytogenetic location: 4p16.3.
Variant type: single nucleotide variant.
Coding change: c.217G>A on transcript NM_000283.4 (MANE Select); coding-DNA position 217, G replaced by A.
Protein change: p.Glu73Lys; replaces glutamic acid 73 with lysine.
Molecular consequence: missense variant.
Genome position (GRCh38, 1-based): chr4:625,843, G>A. VCF-style: chr4-625843-G-A. GRCh37 (hg19) VCF-style: chr4-619632-G-A.
Other names: c.217G>A, p.Glu73Lys (NM_001145291.2); short protein forms E73K.
Identifiers: ClinVar variation 392666 (VCV000392666.11), dbSNP rs779379143, ClinGen allele CA2793875.

ClinVar aggregate classification (germline): Uncertain significance. Review status: criteria provided, multiple submitters, no conflicts (2 of 4 stars). 2 submissions from 2 submitters: Uncertain significance (2). Last evaluated 2024-04-30.

Allele frequency attached by ClinVar (database versions not stated): gnomAD exomes below 0.00001; TOPMed below 0.00001; ExAC 0.00001; gnomAD 0.00001.
gnomAD v4.1: 6 of 1,612,622 alleles (0.00037%); highest among the groups gnomAD compares: East Asian, 0.0022%; no homozygotes.

Submissions (2):

Labcorp Genetics (formerly Invitae), Labcorp
Classification: Uncertain significance. Last evaluated: 2024-04-30. Review status: criteria provided, single submitter. Criteria: Invitae Variant Classification Sherloc (09022015). Collection method: clinical testing. Allele origin: germline.
Comment: This sequence change replaces glutamic acid, which is acidic and polar, with lysine, which is basic and polar, at codon 73 of the PDE6B protein (p.Glu73Lys). This variant is present in population databases (rs779379143, gnomAD 0.005%). This variant has not been reported in the literature in individuals affected with PDE6B-related conditions. ClinVar contains an entry for this variant (Variation ID: 392666). Advanced modeling of protein sequence and biophysical properties (such as structural, functional, and spatial information, amino acid conservation, physicochemical variation, residue mobility, and thermodynamic stability) has been performed at Invitae for this missense variant, however the output from this modeling did not meet the statistical confidence thresholds required to predict the impact of this variant on PDE6B protein function. In summary, the available evidence is currently insufficient to determine the role of this variant in disease. Therefore, it has been classified as a Variant of Uncertain Significance.

GeneDx
Classification: Uncertain significance. Last evaluated: 2017-01-25. Review status: criteria provided, single submitter. Criteria: GeneDx Variant Classification (06012015). Collection method: clinical testing. Allele origin: germline. Affected: yes.
Comment: The E73K variant in the PDE6B gene has not been reported previously as a pathogenic variant, nor as a benign variant, to our knowledge. The E73K variant is not observed in large population cohorts (Lek et al., 2016; 1000 Genomes Consortium et al., 2015; Exome Variant Server). The E73K variant is a non-conservative amino acid substitution, which is likely to impact secondary protein structure as these residues differ in polarity, charge, size and/or other properties. This substitution occurs at a position that is conserved across species. In silico analysis predicts this variant is probably damaging to the protein structure/function. We interpret E73K as a variant of uncertain significance.